The following is an entry in ClinVar:

ClinVar aggregate classification (germline): Uncertain significance (1 of 4 stars; one submission).

Submission:

Labcorp Genetics (formerly Invitae), Labcorp
Classification: Uncertain significance. Last evaluated: 2025-12-03. Review status: criteria provided, single submitter. Criteria: Invitae Variant Classification Sherloc (09022015). Collection method: clinical testing. Allele origin: germline.
Comment: This sequence change replaces asparagine, which is neutral and polar, with tyrosine, which is neutral and polar, at codon 378 of the SLC1A2 protein (p.Asn378Tyr). This variant is not present in population databases (gnomAD no frequency). This variant has not been reported in the literature in individuals affected with SLC1A2-related conditions. Invitae Evidence Modeling of protein sequence and biophysical properties (such as structural, functional, and spatial information, amino acid conservation, physicochemical variation, residue mobility, and thermodynamic stability) indicates that this missense variant is expected to disrupt SLC1A2 protein function with a positive predictive value of 80%. In summary, the available evidence is currently insufficient to determine the role of this variant in disease. Therefore, it has been classified as a Variant of Uncertain Significance.

NM_004171.4(SLC1A2):c.1132A>T (p.Asn378Tyr)

Gene: SLC1A2 (solute carrier family 1 member 2; minus strand). Cytogenetic location: 11p13.
Variant type: single nucleotide variant.
Coding change: c.1132A>T on transcript NM_004171.4 (MANE Select); coding-DNA position 1132, A replaced by T.
Protein change: p.Asn378Tyr; replaces asparagine 378 with tyrosine.
Molecular consequence: missense variant.
Genome position (GRCh38, 1-based): chr11:35,286,911, T>A on the plus strand (A>T on the coding strand, the complement: SLC1A2 is on the minus strand). VCF-style: chr11-35286911-T-A. GRCh37 (hg19) VCF-style: chr11-35308458-T-A.
Other names: c.1105A>T, p.Asn369Tyr (NM_001195728.3, NM_001252652.2, NM_001439341.1); c.1120A>T, p.Asn374Tyr (NM_001439342.1); c.898A>T, p.Asn300Tyr (NM_001439343.1); short protein forms N369Y, N374Y, N300Y, N378Y.
Identifiers: ClinVar variation 4742984 (VCV004742984.1).